The following is an entry in ClinVar:

NM_002439.5(MSH3):c.2191C>G (p.Gln731Glu)

Gene: MSH3 (mutS homolog 3; plus strand). Cytogenetic location: 5q14.1.
Variant type: single nucleotide variant.
Coding change: c.2191C>G on transcript NM_002439.5 (MANE Select); coding-DNA position 2191, C replaced by G.
Protein change: p.Gln731Glu; replaces glutamine 731 with glutamic acid.
Molecular consequence: missense variant.
Genome position (GRCh38, 1-based): chr5:80,768,941, C>G. VCF-style: chr5-80768941-C-G. GRCh37 (hg19) VCF-style: chr5-80064760-C-G.
Other names: c.2191C>G (NM_002439.3); short protein forms Q731E.
Identifiers: ClinVar variation 1999625 (VCV001999625.5), dbSNP rs2112885230, ClinGen allele CA360279575.

ClinVar aggregate classification (germline): Uncertain significance. Review status: criteria provided, multiple submitters, no conflicts (2 of 4 stars). 2 submissions from 2 submitters: Uncertain significance (2). Last evaluated 2026-07-10.

Conditions:
Hereditary cancer-predisposing syndrome. Also called: Hereditary neoplastic syndrome; Neoplastic Syndromes, Hereditary; Tumor predisposition; Hereditary Cancer Syndrome. Identifiers: Orphanet 140162, MedGen C0027672, MeSH D009386, MONDO:0015356.

Submissions (2):

Ambry Genetics
Classification: Uncertain significance for Hereditary cancer-predisposing syndrome. Last evaluated: 2026-07-10. Review status: criteria provided, single submitter. Criteria: Ambry Variant Classification Scheme 2023. Collection method: clinical testing. Allele origin: germline.
Comment: The p.Q731E variant (also known as c.2191C>G), located in coding exon 15 of the MSH3 gene, results from a C to G substitution at nucleotide position 2191. The glutamine at codon 731 is replaced by glutamic acid, an amino acid with highly similar properties. This amino acid position is conserved. In addition, this alteration is predicted to be tolerated by in silico analysis. Based on the available evidence, the clinical significance of this variant remains unclear.

Labcorp Genetics (formerly Invitae), Labcorp
Classification: Uncertain significance. Last evaluated: 2022-05-27. Review status: criteria provided, single submitter. Criteria: Invitae Variant Classification Sherloc (09022015). Collection method: clinical testing. Allele origin: germline.
Comment: This sequence change replaces glutamine, which is neutral and polar, with glutamic acid, which is acidic and polar, at codon 731 of the MSH3 protein (p.Gln731Glu). This variant is not present in population databases (gnomAD no frequency). This variant has not been reported in the literature in individuals affected with MSH3-related conditions. Algorithms developed to predict the effect of missense changes on protein structure and function are either unavailable or do not agree on the potential impact of this missense change (SIFT: "Tolerated"; PolyPhen-2: "Possibly Damaging"; Align-GVGD: "Class C0"). In summary, the available evidence is currently insufficient to determine the role of this variant in disease. Therefore, it has been classified as a Variant of Uncertain Significance.